The following is an entry in ClinVar:

ClinVar aggregate classification (germline): Uncertain significance. Review status: criteria provided, multiple submitters, no conflicts (2 of 4 stars). 2 submissions from 2 submitters: Uncertain significance (2). Last evaluated 2026-01-31.

Conditions:
Hereditary cancer-predisposing syndrome. Also called: Tumor predisposition; Hereditary Cancer Syndrome; Hereditary neoplastic syndrome; Neoplastic Syndromes, Hereditary. Identifiers: Orphanet 140162, MedGen C0027672, MeSH D009386, MONDO:0015356.
POLD1-related polyposis and colorectal cancer syndrome (CRCS10). Also called: Colorectal cancer 10; COLORECTAL CANCER, SUSCEPTIBILITY TO, ON CHROMOSOME 19q; Colorectal cancer, susceptibility to, 10. Identifiers: Orphanet 220460, MedGen C2675481, MONDO:0012953, OMIM 612591.

Allele frequency attached by ClinVar (database versions not stated): gnomAD exomes below 0.00001.

Submissions (2):

Labcorp Genetics (formerly Invitae), Labcorp
Classification: Uncertain significance for POLD1-related polyposis and colorectal cancer syndrome. Last evaluated: 2026-01-31. Review status: criteria provided, single submitter. Criteria: Invitae Variant Classification Sherloc (09022015). Collection method: clinical testing. Allele origin: germline.
Comment: This sequence change replaces leucine, which is neutral and non-polar, with phenylalanine, which is neutral and non-polar, at codon 219 of the POLD1 protein (p.Leu219Phe). This variant is present in population databases (no rsID available, gnomAD 0.003%). This variant has not been reported in the literature in individuals affected with POLD1-related conditions. ClinVar contains an entry for this variant (Variation ID: 839073). Invitae Evidence Modeling of protein sequence and biophysical properties (such as structural, functional, and spatial information, amino acid conservation, physicochemical variation, residue mobility, and thermodynamic stability) indicates that this missense variant is not expected to disrupt POLD1 protein function with a negative predictive value of 80%. In summary, the available evidence is currently insufficient to determine the role of this variant in disease. Therefore, it has been classified as a Variant of Uncertain Significance.

Ambry Genetics
Classification: Uncertain significance for Hereditary cancer-predisposing syndrome. Last evaluated: 2025-04-18. Review status: criteria provided, single submitter. Criteria: Ambry Variant Classification Scheme 2023. Collection method: clinical testing. Allele origin: germline.
Comment: The p.L219F variant (also known as c.655C>T), located in coding exon 5 of the POLD1 gene, results from a C to T substitution at nucleotide position 655. The leucine at codon 219 is replaced by phenylalanine, an amino acid with highly similar properties. This amino acid position is conserved. In addition, this alteration is predicted to be tolerated by in silico analysis. Since supporting evidence is limited at this time, the clinical significance of this alteration remains unclear.

NM_002691.4(POLD1):c.655C>T (p.Leu219Phe)

Gene: POLD1 (DNA polymerase delta 1, catalytic subunit; plus strand). Cytogenetic location: 19q13.33.
Variant type: single nucleotide variant.
Coding change: c.655C>T on transcript NM_002691.4 (MANE Select); coding-DNA position 655, C replaced by T.
Protein change: p.Leu219Phe; replaces leucine 219 with phenylalanine.
Molecular consequence: missense variant. On other transcripts: non-coding transcript variant (1).
Genome position (GRCh38, 1-based): chr19:50,402,270, C>T. VCF-style: chr19-50402270-C-T. GRCh37 (hg19) VCF-style: chr19-50905527-C-T.
Other names: c.655C>T, p.Leu219Phe (NM_001256849.1, NM_001308632.1); short protein forms L219F.
Identifiers: ClinVar variation 839073 (VCV000839073.13), dbSNP rs1405187462, ClinGen allele CA406974160.